The following is an entry in ClinVar:

NM_001127644.2(GABRA1):c.500C>T (p.Pro167Leu)

Gene: GABRA1 (gamma-aminobutyric acid type A receptor subunit alpha1; plus strand). Cytogenetic location: 5q34.
Variant type: single nucleotide variant.
Coding change: c.500C>T on transcript NM_001127644.2 (MANE Select); coding-DNA position 500, C replaced by T.
Protein change: p.Pro167Leu; replaces proline 167 with leucine.
Molecular consequence: missense variant.
Genome position (GRCh38, 1-based): chr5:161,875,583, C>T. VCF-style: chr5-161875583-C-T. GRCh37 (hg19) VCF-style: chr5-161302589-C-T.
Other names: c.500C>T, p.Pro167Leu (NM_000806.5, NM_001127643.2, NM_001127645.2 and 1 more transcripts); short protein forms P167L.
Identifiers: ClinVar variation 3760688 (VCV003760688.2).

ClinVar aggregate classification (germline): Uncertain significance (1 of 4 stars; one submission).

Conditions:
Idiopathic generalized epilepsy. Also called: EIG; Generalised epilepsy. Identifiers: MedGen C0270850, MONDO:0005579, OMIM 600669.
Epilepsy, childhood absence 4 (ECA4). Also called: EPILEPSY, CHILDHOOD ABSENCE, SUSCEPTIBILITY TO, 4. Identifiers: Orphanet 307, MedGen C1970160.
Epilepsy, idiopathic generalized, susceptibility to, 13. Also called: EPILEPSY, JUVENILE MYOCLONIC, SUSCEPTIBILITY TO, 5. Identifiers: Orphanet 307, Orphanet 64280, MedGen C4013473, MONDO:0012627, OMIM 611136.

gnomAD v4.1: 1 of 1,613,422 alleles (0.000062%); no homozygotes.

Submission:

Labcorp Genetics (formerly Invitae), Labcorp
Classification: Uncertain significance for Epilepsy, childhood absence 4; Epilepsy, idiopathic generalized, susceptibility to, 13; Idiopathic generalized epilepsy. Last evaluated: 2024-06-10. Review status: criteria provided, single submitter. Criteria: Invitae Variant Classification Sherloc (09022015). Collection method: clinical testing. Allele origin: germline.
Comment: This sequence change replaces proline, which is neutral and non-polar, with leucine, which is neutral and non-polar, at codon 167 of the GABRA1 protein (p.Pro167Leu). This variant is present in population databases (rs750728250, gnomAD 0.01%). This missense change has been observed in individual(s) with clinical features of GABRA1-related conditions (PMID: 33057194, 35982159). Advanced modeling of protein sequence and biophysical properties (such as structural, functional, and spatial information, amino acid conservation, physicochemical variation, residue mobility, and thermodynamic stability) performed at Invitae indicates that this missense variant is expected to disrupt GABRA1 protein function with a positive predictive value of 80%. In summary, the available evidence is currently insufficient to determine the role of this variant in disease. Therefore, it has been classified as a Variant of Uncertain Significance.

Literature cited by the submitters: PubMed 33057194; PubMed 35982159.